The following is an entry in ClinVar:

ClinVar aggregate classification (germline): Uncertain significance (1 of 4 stars; one submission).

Conditions:
RASopathy. Also called: rasopathies; Noonan spectrum disorder. Identifiers: Orphanet 536391, MedGen C5555857, MONDO:0021060.

Submission:

Labcorp Genetics (formerly Invitae), Labcorp
Classification: Uncertain significance for RASopathy. Last evaluated: 2021-05-18. Review status: criteria provided, single submitter. Criteria: Invitae Variant Classification Sherloc (09022015). Collection method: clinical testing. Allele origin: germline.
Comment: In summary, the available evidence is currently insufficient to determine the role of this variant in disease. Therefore, it has been classified as a Variant of Uncertain Significance. This sequence change replaces leucine with methionine at codon 171 of the SHOC2 protein (p.Leu171Met). The leucine residue is highly conserved and there is a small physicochemical difference between leucine and methionine. This variant is not present in population databases (ExAC no frequency). This variant has not been reported in the literature in individuals with SHOC2-related conditions. Algorithms developed to predict the effect of missense changes on protein structure and function are either unavailable or do not agree on the potential impact of this missense change (SIFT: "Deleterious"; PolyPhen-2: "Probably Damaging"; Align-GVGD: "Class C0").

NM_007373.4(SHOC2):c.511C>A (p.Leu171Met)

Gene: SHOC2 (SHOC2 leucine rich repeat scaffold protein; plus strand). Cytogenetic location: 10q25.2.
Variant type: single nucleotide variant.
Coding change: c.511C>A on transcript NM_007373.4 (MANE Select); coding-DNA position 511, C replaced by A.
Protein change: p.Leu171Met; replaces leucine 171 with methionine.
Molecular consequence: missense variant.
Genome position (GRCh38, 1-based): chr10:110,964,869, C>A. VCF-style: chr10-110964869-C-A. GRCh37 (hg19) VCF-style: chr10-112724627-C-A.
Other names: c.511C>A, p.Leu171Met (NM_001269039.3, NM_001324336.2, NM_001324337.2); short protein forms L171M.
Identifiers: ClinVar variation 1413835 (VCV001413835.8), dbSNP rs1847643199, ClinGen allele CA378385762.